The following is an entry in ClinVar:

NM_001191061.2(SLC25A22):c.818+15C>T

Gene: SLC25A22 (solute carrier family 25 member 22; minus strand). Cytogenetic location: 11p15.5.
Variant type: single nucleotide variant.
Coding change: c.818+15C>T on transcript NM_001191061.2 (MANE Select); 15 bases into the intron after coding-DNA position 818, C replaced by T.
Molecular consequence: intron variant.
Genome position (GRCh38, 1-based): chr11:792,127, G>A on the plus strand (C>T on the coding strand, the complement: SLC25A22 is on the minus strand). VCF-style: chr11-792127-G-A. GRCh37 (hg19) VCF-style: chr11-792127-G-A.
Other names: c.818+15C>T (NM_001191060.2, NM_024698.6).
Identifiers: ClinVar variation 681627 (VCV000681627.10), dbSNP rs201177114, ClinGen allele CA5789050.

ClinVar aggregate classification (germline): Likely benign. Review status: criteria provided, multiple submitters, no conflicts (2 of 4 stars). 2 submissions from 2 submitters: Likely benign (2). Last evaluated 2025-06-19.

Conditions:
Early-infantile DEE. Also called: Ohtahara syndrome; Early infantile epileptic encephalopathy; Early infantile epileptic encephalopathy with suppression bursts. Identifiers: Orphanet 1934, MedGen C0393706, MONDO:0800491.

Allele frequency attached by ClinVar (database versions not stated): TOPMed 0.00001; gnomAD 0.00002 and 0.00003; gnomAD exomes 0.00002; ExAC 0.00003; 1000 Genomes Project 30x 0.00016; 1000 Genomes Project 0.00020.
gnomAD v4.1: 25 of 1,611,302 alleles (0.0016%); highest among the groups gnomAD compares: East Asian, 0.011%; no homozygotes.

Submissions (2):

Labcorp Genetics (formerly Invitae), Labcorp
Classification: Likely benign for Early-infantile DEE. Last evaluated: 2025-06-19. Review status: criteria provided, single submitter. Criteria: Invitae Variant Classification Sherloc (09022015). Collection method: clinical testing. Allele origin: germline.

GeneDx
Classification: Likely benign. Last evaluated: 2018-04-06. Review status: criteria provided, single submitter. Criteria: GeneDx Variant Classification (06012015). Collection method: clinical testing. Allele origin: germline. Affected: yes.
Comment: This variant is considered likely benign or benign based on one or more of the following criteria: it is a conservative change, it occurs at a poorly conserved position in the protein, it is predicted to be benign by multiple in silico algorithms, and/or has population frequency not consistent with disease.